The following is an entry in ClinVar:

NM_000540.3(RYR1):c.3157G>A (p.Glu1053Lys)

Gene: RYR1 (ryanodine receptor 1; plus strand). Cytogenetic location: 19q13.2.
Variant type: single nucleotide variant.
Coding change: c.3157G>A on transcript NM_000540.3 (MANE Select); coding-DNA position 3157, G replaced by A.
Protein change: p.Glu1053Lys; replaces glutamic acid 1053 with lysine.
Molecular consequence: missense variant.
Genome position (GRCh38, 1-based): chr19:38,466,377, G>A. VCF-style: chr19-38466377-G-A. GRCh37 (hg19) VCF-style: chr19-38957017-G-A.
Other names: c.3157G>A, p.Glu1053Lys (NM_001042723.2); short protein forms E1053K.
Identifiers: ClinVar variation 451414 (VCV000451414.31), dbSNP rs746198645, ClinGen allele CA308076145.

ClinVar aggregate classification (germline): Uncertain significance. Review status: criteria provided, multiple submitters, no conflicts (2 of 4 stars). 7 submissions from 7 submitters: Uncertain significance (7). Last evaluated 2025-02-19.

Conditions:
King Denborough syndrome (KDS). Identifiers: MedGen C1840365, MONDO:0020485, OMIM 619542.
Central core myopathy (CMYO1A). Also called: CONGENITAL MYOPATHY 1A, AUTOSOMAL DOMINANT, WITH SUSCEPTIBILITY TO MALIGNANT HYPERTHERMIA; Central core disease; Myopathy, central fibrillar. Identifiers: Orphanet 597, MedGen C5830701, MONDO:0007294, OMIM 117000.
Malignant hyperthermia, susceptibility to, 1 (MHS1). Also called: Malignant hyperthermia suceptibility 1; Anesthesia related hyperthermia; Malignant hyperpyrexia; Fulminating hyperpyrexia; Pharmacogenic myopathy; RYR1-Related Malignant Hyperthermia Susceptibility. Identifiers: Orphanet 423, MedGen C2930980, MONDO:0007783, OMIM 145600.
Congenital multicore myopathy with external ophthalmoplegia (CMYO1B). Also called: Congenital myopathy 1B, autosomal recessive; Minicore myopathy; MULTICORE MYOPATHY; Minicore myopathy with external ophthalmoplegia; MULTIMINICORE DISEASE WITH EXTERNAL OPHTHALMOPLEGIA. Identifiers: Orphanet 598, Orphanet 98905, MedGen C1850674, MONDO:0009712, OMIM 255320, HP:0003789.
RYR1-related disorder. Also called: RYR1-related disorders; RYR1-related condition. Identifiers: MedGen CN239331.
Inborn genetic diseases. Identifiers: MedGen C0950123, MeSH D030342.

Allele frequency attached by ClinVar (database versions not stated): TOPMed 0.00003.
gnomAD v4.1: 14 of 1,554,164 alleles (0.0009%); highest among the groups gnomAD compares: Non-Finnish European, 0.0011%; no homozygotes.

Submissions (7):

Ambry Genetics
Classification: Uncertain significance for Inborn genetic diseases. Last evaluated: 2025-02-19. Review status: criteria provided, single submitter. Criteria: Ambry Variant Classification Scheme 2023. Collection method: clinical testing. Allele origin: germline.

Labcorp Genetics (formerly Invitae), Labcorp
Classification: Uncertain significance for RYR1-related disorder. Last evaluated: 2025-01-28. Review status: criteria provided, single submitter. Criteria: Invitae Variant Classification Sherloc (09022015). Collection method: clinical testing. Allele origin: germline.
Comment: This sequence change replaces glutamic acid, which is acidic and polar, with lysine, which is basic and polar, at codon 1053 of the RYR1 protein (p.Glu1053Lys). This variant is not present in population databases (gnomAD no frequency). This variant has not been reported in the literature in individuals affected with RYR1-related conditions. ClinVar contains an entry for this variant (Variation ID: 451414). Invitae Evidence Modeling of protein sequence and biophysical properties (such as structural, functional, and spatial information, amino acid conservation, physicochemical variation, residue mobility, and thermodynamic stability) has been performed for this missense variant. However, the output from this modeling did not meet the statistical confidence thresholds required to predict the impact of this variant on RYR1 protein function. In summary, the available evidence is currently insufficient to determine the role of this variant in disease. Therefore, it has been classified as a Variant of Uncertain Significance.

CeGaT Center for Human Genetics Tuebingen
Classification: Uncertain significance. Last evaluated: 2024-04-01. Review status: criteria provided, single submitter. Criteria: CeGaT Center For Human Genetics Tuebingen Variant Classification Criteria Version 2. Collection method: clinical testing. Allele origin: germline. Affected: yes. Observed: 1 variant allele.
Comment: RYR1: PM2, PP3

Revvity Omics, Revvity
Classification: Uncertain significance. Last evaluated: 2023-06-20. Review status: criteria provided, single submitter. Criteria: ACMG Guidelines, 2015. Collection method: clinical testing. Allele origin: germline.

3billion
Classification: Uncertain significance for Central core myopathy. Last evaluated: 2023-06-02. Review status: criteria provided, single submitter. Criteria: ACMG Guidelines, 2015. Collection method: clinical testing. Allele origin: germline. Affected: yes.
Comment: The variant is not observed in the gnomAD v2.1.1 dataset. Predicted Consequence/Location: Missense variant In silico tool predictions suggest damaging effect of the variant on gene or gene product (REVEL: 0.79; 3Cnet: 0.68). Therefore, this variant is classified as VUS according to the recommendation of ACMG/AMP guideline.

Department of Pathology and Laboratory Medicine, Sinai Health System
Classification: Uncertain significance for Central core myopathy; Malignant hyperthermia, susceptibility to, 1; Congenital multicore myopathy with external ophthalmoplegia; King Denborough syndrome. Last evaluated: 2022-12-15. Review status: criteria provided, single submitter. Criteria: ACMG Guidelines, 2015. Collection method: research. Allele origin: germline.

GeneDx
Classification: Uncertain significance. Last evaluated: 2017-08-18. Review status: criteria provided, single submitter. Criteria: GeneDx Variant Classification (06012015). Collection method: clinical testing. Allele origin: germline. Affected: yes.
Comment: The E1053K variant in the RYR1 gene has not been reported previously as a pathogenic variant, nor as a benign variant, to our knowledge. The E1053K variant is not observed in large population cohorts (Lek et al., 2016; 1000 Genomes Consortium et al., 2015; Exome Variant Server). The E1053K variant is a non-conservative amino acid substitution, which is likely to impact secondary protein structure as these residues differ in polarity, charge, size and/or other properties. This substitution occurs at a position that is conserved across species. In silico analysis predicts this variant is probably damaging to the protein structure/function. We interpret E1053K as a variant of uncertain significance.